The following is an entry in ClinVar:

NM_004415.4(DSP):c.4455G>C (p.Arg1485Ser)

Gene: DSP (desmoplakin; plus strand). Cytogenetic location: 6p24.3.
Variant type: single nucleotide variant.
Coding change: c.4455G>C on transcript NM_004415.4 (MANE Select); coding-DNA position 4455, G replaced by C.
Protein change: p.Arg1485Ser; replaces arginine 1485 with serine.
Molecular consequence: missense variant. On other transcripts: intron variant (2).
Genome position (GRCh38, 1-based): chr6:7,580,645, G>C. VCF-style: chr6-7580645-G-C. GRCh37 (hg19) VCF-style: chr6-7580878-G-C.
Other names: c.4050+405G>C (NM_001319034.2); c.3582+873G>C (NM_001008844.3); short protein forms R1485S.
Identifiers: ClinVar variation 44905 (VCV000044905.5), dbSNP rs113902911, ClinGen allele CA004477.

ClinVar aggregate classification (germline): Likely benign (1 of 4 stars; one submission).

Submission:

Laboratory for Molecular Medicine, Mass General Brigham Personalized Medicine
Classification: Likely benign. Last evaluated: 2023-09-21. Review status: criteria provided, single submitter. Criteria: ACMG Guidelines, 2015. Collection method: clinical testing. Allele origin: germline.
Comment: The p.Arg1485Ser (c.4455G>C) variant in DSP is classified as likely benign because another variant (c.4455G>T) resulting in the same amino acid change has been identified in 1.8% (445/23888) of African chromosomes by gnomAD. In addition, computational tools (including splicing impact predictions) and conservation analyses suggest that this variant may not impact the protein. ACMG/AMP Criteria applied: BP4.

Literature cited by the submitters: PubMed 21636032.